The following is an entry in ClinVar:

NM_001142800.2(EYS):c.-135T>G

Gene: EYS (EGF-like photoreceptor maintenance factor; minus strand). Cytogenetic location: 6q12.
Variant type: single nucleotide variant.
Coding change: c.-135T>G on transcript NM_001142800.2 (MANE Select); 135 bases upstream of the start codon, T replaced by G.
Molecular consequence: 5 prime UTR variant.
Genome position (GRCh38, 1-based): chr6:65,495,545, A>C on the plus strand (T>G on the coding strand, the complement: EYS is on the minus strand). VCF-style: chr6-65495545-A-C. GRCh37 (hg19) VCF-style: chr6-66205438-A-C.
Other names: c.-135T>G (NM_001142801.2, NM_001292009.2, NM_198283.2).
Identifiers: ClinVar variation 2139409 (VCV002139409.4), dbSNP rs1766228277, ClinGen allele CA2580075697.

ClinVar aggregate classification (germline): Uncertain significance (1 of 4 stars; one submission).

Submission:

Labcorp Genetics (formerly Invitae), Labcorp
Classification: Uncertain significance. Last evaluated: 2022-05-12. Review status: criteria provided, single submitter. Criteria: Invitae Variant Classification Sherloc (09022015). Collection method: clinical testing. Allele origin: germline.
Comment: This variant has not been reported in the literature in individuals affected with EYS-related conditions. This variant is not present in population databases (gnomAD no frequency). This variant occurs in a non-coding region of the EYS gene. It does not change the encoded amino acid sequence of the EYS protein. In summary, the available evidence is currently insufficient to determine the role of this variant in disease. Therefore, it has been classified as a Variant of Uncertain Significance.